The following is an entry in ClinVar:

ClinVar aggregate classification (germline): Conflicting classifications of pathogenicity. Review status: criteria provided, conflicting classifications (1 of 4 stars). 8 submissions from 8 submitters: Uncertain significance (7); Likely benign (1). Last evaluated 2025-12-22.

Conditions:
Cardiovascular phenotype. Identifiers: MedGen CN230736.
Catecholaminergic polymorphic ventricular tachycardia (CVPT). Also called: Catecholamine-induced polymorphic ventricular tachycardia. Identifiers: Orphanet 3286, MedGen C5574922, MONDO:0017990.
Catecholaminergic polymorphic ventricular tachycardia 1. Also called: VENTRICULAR TACHYCARDIA, STRESS-INDUCED POLYMORPHIC 1; RYR2-Related Catecholaminergic Polymorphic Ventricular Tachycardia; VENTRICULAR TACHYCARDIA, CATECHOLAMINERGIC POLYMORPHIC, 1, WITH OR WITHOUT ATRIAL DYSFUNCTION AND/OR DILATED CARDIOMYOPATHY. Identifiers: Orphanet 3286, MedGen C1631597, MONDO:0011484, OMIM 604772.
Cardiomyopathy (CMYO). Also called: Cardiomyopathies. Identifiers: Orphanet 167848, MedGen C0878544, MONDO:0004994, HP:0001638. Inheritance: Various modes of inheritance.
Hypertrophic cardiomyopathy. Also called: HYPERTROPHIC MYOCARDIOPATHY. Identifiers: Orphanet 217569, MedGen C0007194, MeSH D002312, MONDO:0005045, HP:0001639.

Allele frequency attached by ClinVar (database versions not stated): ExAC 0.00003; gnomAD 0.00003; gnomAD exomes 0.00003; TOPMed 0.00003.
gnomAD v4.1: 57 of 1,613,834 alleles (0.0035%); highest among the groups gnomAD compares: Middle Eastern, 0.049%; no homozygotes.

Submissions (8):

Labcorp Genetics (formerly Invitae), Labcorp
Classification: Likely benign for Catecholaminergic polymorphic ventricular tachycardia 1. Last evaluated: 2025-12-22. Review status: criteria provided, single submitter. Criteria: Invitae Variant Classification Sherloc (09022015). Collection method: clinical testing. Allele origin: germline.

All of Us Research Program, National Institutes of Health
Classification: Uncertain significance for Catecholaminergic polymorphic ventricular tachycardia. Last evaluated: 2024-06-11. Review status: criteria provided, single submitter. Criteria: ACMG Guidelines, 2015. Collection method: clinical testing. Allele origin: germline. Inheritance: Autosomal dominant inheritance. Observed: 12 variant alleles, 12 heterozygotes.
Comment: This missense variant replaces isoleucine with threonine at codon 1925 of the RYR2 protein. Computational prediction is inconclusive regarding the impact of this variant on protein structure and function (internally defined REVEL score threshold 0.5 < inconclusive < 0.7, PMID: 27666373). To our knowledge, functional studies have not been reported for this variant. This variant has also been reported in an individual affected with atrioventricular nodal reentrant tachycardia (PMID: 32508047). This variant has been identified in 12/280152 chromosomes in the general population by the Genome Aggregation Database (gnomAD). The available evidence is insufficient to determine the role of this variant in disease conclusively. Therefore, this variant is classified as a Variant of Uncertain Significance.

This study involves interpretation of variants in research participants for the purpose of population health screening. Participant phenotype was not available at the time of variant classification. Additional details can be found in publication PMID: 35346344, PMCID: PMC8962531

Color Diagnostics, LLC DBA Color Health
Classification: Uncertain significance for Cardiomyopathy. Last evaluated: 2024-05-02. Review status: criteria provided, single submitter. Criteria: ACMG Guidelines, 2015. Collection method: clinical testing. Allele origin: germline.
Comment: This missense variant replaces isoleucine with threonine at codon 1925 of the RYR2 protein. Computational prediction is inconclusive regarding the impact of this variant on protein structure and function (internally defined REVEL score threshold 0.5 < inconclusive < 0.7, PMID: 27666373). To our knowledge, functional studies have not been reported for this variant. This variant has also been reported in an individual affected with atrioventricular nodal reentrant tachycardia (PMID: 32508047). This variant has been identified in 12/280152 chromosomes in the general population by the Genome Aggregation Database (gnomAD). The available evidence is insufficient to determine the role of this variant in disease conclusively. Therefore, this variant is classified as a Variant of Uncertain Significance.

Ambry Genetics
Classification: Uncertain significance for Cardiovascular phenotype. Last evaluated: 2023-12-08. Review status: criteria provided, single submitter. Criteria: Ambry Variant Classification Scheme 2023. Collection method: clinical testing. Allele origin: germline.
Comment: The p.I1925T variant (also known as c.5774T>C), located in coding exon 38 of the RYR2 gene, results from a T to C substitution at nucleotide position 5774. The isoleucine at codon 1925 is replaced by threonine, an amino acid with similar properties. This alteration has been reported in a cyclic vomiting syndrome (CVS) cohort, a catecholaminergic polymorphic ventricular tachycardia (CPVT) cohort, and an atrioventricular nodal reentry tachycardia (AVNRT) cohort; however, clinical details were limited for these cohorts (Lee J et al. Neurogastroenterol Motil, 2015 Jul;27:990-6; Landstrom AP et al. Circ Arrhythm Electrophysiol, 2017 Apr;10; Luo R et al. Clin Transl Med, 2020 Jan;10:238-257). This amino acid position is well conserved in available vertebrate species. In addition, the in silico prediction for this alteration is inconclusive. Since supporting evidence is limited at this time, the clinical significance of this alteration remains unclear.

GeneDx
Classification: Uncertain significance. Last evaluated: 2019-07-01. Review status: criteria provided, single submitter. Criteria: GeneDx Variant Classification Process June 2021. Collection method: clinical testing. Allele origin: germline. Affected: yes.
Comment: Has not been reported in association with cardiac disease; In silico analysis, which includes protein predictors and evolutionary conservation, supports a deleterious effect; Reported in ClinVar as a variant of uncertain significance (ClinVar Variant ID 229222; Landrum et al., 2016); This variant is associated with the following publications: (PMID: 25925909)

Laboratory for Molecular Medicine, Mass General Brigham Personalized Medicine
Classification: Uncertain significance. Last evaluated: 2015-06-25. Review status: criteria provided, single submitter. Criteria: LMM Criteria. Collection method: clinical testing. Allele origin: germline. Observed: 1 variant allele.
Comment: The p.Ile1925Thr variant in RYR2 has not been previously reported in individuals with cardiomyopathy, but has been identified in 3/64742 European chromosomes by the Exome Aggregation Consortium (ExAC). Comput ational prediction tools and conservation analysis do not provide strong support for or against an impact to the protein. In summary, the clinical significance of the p.Ile1925Thr variant is uncertain.

Breakthrough Genomics
Classification: Uncertain significance. Review status: criteria provided, single submitter. Criteria: ACMG Guidelines, 2015. Collection method: not provided. Allele origin: germline. Inheritance: Autosomal dominant inheritance. Affected: yes.

Genetics and Genomics Program, Sidra Medicine
Classification: Uncertain significance for Hypertrophic cardiomyopathy. Review status: criteria provided, single submitter. Criteria: ACMG Guidelines, 2015. Collection method: research. Allele origin: unknown. Affected: yes. Observed: 1 variant allele.

Literature cited by the submitters: PubMed 32508047 (cited by 3 submitters); PubMed 25925909 (cited by Ambry Genetics); PubMed 28404607 (cited by Ambry Genetics).

NM_001035.3(RYR2):c.5774T>C (p.Ile1925Thr)

Gene: RYR2 (ryanodine receptor 2; plus strand). Cytogenetic location: 1q43.
Variant type: single nucleotide variant.
Coding change: c.5774T>C on transcript NM_001035.3 (MANE Select); coding-DNA position 5774, T replaced by C.
Protein change: p.Ile1925Thr; replaces isoleucine 1925 with threonine.
Molecular consequence: missense variant.
Genome position (GRCh38, 1-based): chr1:237,617,344, T>C. VCF-style: chr1-237617344-T-C. GRCh37 (hg19) VCF-style: chr1-237780644-T-C.
Other names: short protein forms I1925T.
Identifiers: ClinVar variation 229222 (VCV000229222.25), dbSNP rs761505396, ClinGen allele CA074388.